The following is an entry in ClinVar:

ClinVar aggregate classification (germline): Likely benign. Review status: criteria provided, multiple submitters, no conflicts (2 of 4 stars). 2 submissions from 2 submitters: Likely benign (2). Last evaluated 2026-08-10.

Conditions:
Hereditary insensitivity to pain with anhidrosis (CIPA). Also called: hereditary sensory and autonomic neuropathy type 4; FAMILIAL DYSAUTONOMIA, TYPE II; NEUROPATHY, CONGENITAL SENSORY, WITH ANHIDROSIS; INSENSITIVITY TO PAIN, CONGENITAL, WITH ANHIDROSIS; HSAN Type IV; NTRK1 Congenital Insensitivity to Pain with Anhidrosis. Identifiers: Orphanet 642, MedGen C0020074, MONDO:0009746, OMIM 256800.
NTRK1-related disorder. Also called: NTRK1-related condition.

Allele frequency attached by ClinVar (database versions not stated): gnomAD 0.00003; TOPMed 0.00003.
gnomAD v4.1: 4 of 151,904 alleles (0.0026%); highest among the groups gnomAD compares: Admixed American, 0.013%; no homozygotes.

Submissions (2):

PreventionGenetics, part of Exact Sciences
Classification: Likely benign for NTRK1-related condition. Last evaluated: 2026-08-10. Review status: criteria provided, single submitter. Criteria: ACMG Guidelines, 2015. Collection method: clinical testing. Allele origin: germline.
Comment: This variant is classified as likely benign based on ACMG/AMP sequence variant interpretation guidelines (Richards et al. 2015 PMID: 25741868, with internal and published modifications).

Labcorp Genetics (formerly Invitae), Labcorp
Classification: Likely benign for Hereditary insensitivity to pain with anhidrosis. Last evaluated: 2024-03-02. Review status: criteria provided, single submitter. Criteria: Invitae Variant Classification Sherloc (09022015). Collection method: clinical testing. Allele origin: germline.

NM_002529.4(NTRK1):c.851-797C>T

Gene: NTRK1 (neurotrophic receptor tyrosine kinase 1; plus strand). Cytogenetic location: 1q23.1.
Variant type: single nucleotide variant.
Coding change: c.851-797C>T on transcript NM_002529.4 (MANE Select); 797 bases into the intron before coding-DNA position 851, C replaced by T.
Molecular consequence: intron variant.
Genome position (GRCh38, 1-based): chr1:156,872,836, C>T. VCF-style: chr1-156872836-C-T. GRCh37 (hg19) VCF-style: chr1-156842628-C-T.
Other names: c.761-797C>T (NM_001007792.1); c.851-797C>T (NM_001012331.2, NM_002529.3).
Identifiers: ClinVar variation 2829077 (VCV002829077.4), dbSNP rs909260147, ClinGen allele CA31114352.